The following is an entry in ClinVar:

NM_001267550.2(TTN):c.102815G>A (p.Gly34272Asp)

Genes: TTN (titin; minus strand), TTN-AS1 (TTN antisense RNA 1; plus strand). Cytogenetic location: 2q31.2.
Variant type: single nucleotide variant.
Coding change: c.102815G>A on transcript NM_001267550.2 (MANE Select); coding-DNA position 102815, G replaced by A.
Protein change: p.Gly34272Asp; replaces glycine 34272 with aspartic acid.
Molecular consequence: missense variant.
Genome position (GRCh38, 1-based): chr2:178,533,800, C>T on the plus strand (G>A on the coding strand, the complement: TTN is on the minus strand). VCF-style: chr2-178533800-C-T. GRCh37 (hg19) VCF-style: chr2-179398527-C-T.
Other names: c.97892G>A, p.Gly32631Asp (NM_001256850.1); c.75620G>A, p.Gly25207Asp (NM_003319.4); c.95111G>A, p.Gly31704Asp (NM_133378.4); c.75995G>A, p.Gly25332Asp (NM_133432.3); c.76196G>A, p.Gly25399Asp (NM_133437.4); short protein forms G31704D, G32631D, G34272D, G25207D, G25399D, G25332D.
Identifiers: ClinVar variation 2930554 (VCV002930554.3), dbSNP rs2468508379, ClinGen allele CA349416610.

ClinVar aggregate classification (germline): Uncertain significance (1 of 4 stars; one submission).

Conditions:
Dilated cardiomyopathy 1G (CMD1G). Identifiers: Orphanet 154, MedGen C1858763, MONDO:0011400, OMIM 604145.
Autosomal recessive limb-girdle muscular dystrophy type 2J (LGMDR10). Also called: MUSCULAR DYSTROPHY, LIMB-GIRDLE, AUTOSOMAL RECESSIVE 10; Limb-girdle muscular dystrophy, type 2J. Identifiers: Orphanet 140922, MedGen C1837342, MONDO:0012127, OMIM 608807.

Submission:

Labcorp Genetics (formerly Invitae), Labcorp
Classification: Uncertain significance for Dilated cardiomyopathy 1G; Autosomal recessive limb-girdle muscular dystrophy type 2J. Last evaluated: 2023-10-11. Review status: criteria provided, single submitter. Criteria: Invitae Variant Classification Sherloc (09022015). Collection method: clinical testing. Allele origin: germline.
Comment: This sequence change replaces glycine, which is neutral and non-polar, with aspartic acid, which is acidic and polar, at codon 34272 of the TTN protein (p.Gly34272Asp). This variant is not present in population databases (gnomAD no frequency). This variant has not been reported in the literature in individuals affected with TTN-related conditions. Experimental studies and prediction algorithms are not available or were not evaluated, and the functional significance of this variant is currently unknown. This variant is located in the M band of TTN (PMID: 25589632). Variants in this region may be relevant for neuromuscular disorders, but have not been definitively shown to cause cardiomyopathy (PMID: 23975875). In summary, the available evidence is currently insufficient to determine the role of this variant in disease. Therefore, it has been classified as a Variant of Uncertain Significance.

Literature cited by the submitters: PubMed 25589632; PubMed 23975875.